The following is an entry in ClinVar:

ClinVar aggregate classification (germline): Uncertain significance (1 of 4 stars; one submission).

Conditions:
Carney complex, type 1 (CNC1). Also called: CARNEY COMPLEX, TYPE I; CARNEY MYXOMA-ENDOCRINE COMPLEX. Identifiers: Orphanet 1359, MedGen C2607929, MONDO:0008057, OMIM 160980.

Submission:

Labcorp Genetics (formerly Invitae), Labcorp
Classification: Uncertain significance for Carney complex, type 1. Last evaluated: 2025-11-27. Review status: criteria provided, single submitter. Criteria: Invitae Variant Classification Sherloc (09022015). Collection method: clinical testing. Allele origin: germline.
Comment: This sequence change replaces glutamic acid, which is acidic and polar, with alanine, which is neutral and non-polar, at codon 257 of the PRKAR1A protein (p.Glu257Ala). This variant is not present in population databases (gnomAD no frequency). This variant has not been reported in the literature in individuals affected with PRKAR1A-related conditions. Invitae Evidence Modeling of protein sequence and biophysical properties (such as structural, functional, and spatial information, amino acid conservation, physicochemical variation, residue mobility, and thermodynamic stability) indicates that this missense variant is not expected to disrupt PRKAR1A protein function with a negative predictive value of 95%. In summary, the available evidence is currently insufficient to determine the role of this variant in disease. Therefore, it has been classified as a Variant of Uncertain Significance.

NM_002734.5(PRKAR1A):c.770A>C (p.Glu257Ala)

Gene: PRKAR1A (protein kinase cAMP-dependent type I regulatory subunit alpha; plus strand). Cytogenetic location: 17q24.2.
Variant type: single nucleotide variant.
Coding change: c.770A>C on transcript NM_002734.5 (MANE Select); coding-DNA position 770, A replaced by C.
Protein change: p.Glu257Ala; replaces glutamic acid 257 with alanine.
Molecular consequence: missense variant.
Genome position (GRCh38, 1-based): chr17:68,528,870, A>C. VCF-style: chr17-68528870-A-C. GRCh37 (hg19) VCF-style: chr17-66525011-A-C.
Other names: c.770A>C, p.Glu257Ala (NM_001276289.2, NM_001276290.1, NM_001278433.2 and 4 more transcripts); short protein forms E257A.
Identifiers: ClinVar variation 4709592 (VCV004709592.1).